The following is an entry in ClinVar:

ClinVar aggregate classification (germline): Pathogenic (1 of 4 stars; one submission).

Conditions:
Glutaric aciduria, type 1. Also called: Glutaricacidemia Type 1; Glutaricaciduria, type I; GA I; Glutaric Acidemia Type 1; Glutaryl-CoA dehydrogenase deficiency; Glutaric acidemia type I. Identifiers: Orphanet 25, MedGen C0268595, MONDO:0009281, OMIM 231670.

Submission:

Myriad Genetics, Inc.
Classification: Pathogenic for Glutaric aciduria, type 1. Last evaluated: 2025-12-04. Review status: criteria provided, single submitter. Criteria: Myriad Autosomal Dominant, Autosomal Recessive and X-Linked Classification Criteria (2023). Collection method: clinical testing. Allele origin: unknown.
Comment: NM_000159.2(GCDH):c.1108delC(L370*) is a nonsense variant classified as pathogenic in the context of glutaric acidemia, GCDH-related. L370* has been observed in a case with relevant disease (PMID: 31788423). Relevant functional assessments of this variant are not available in the literature. L370* has not been observed in referenced population frequency databases. In summary, NM_000159.2(GCDH):c.1108delC(L370*) is a nonsense variant that has been observed more frequently in cases with the relevant disease than in healthy populations. Please note: this variant was assessed in the context of healthy population screening.

Literature cited by the submitters: PubMed 31788423.

NM_000159.4(GCDH):c.1108del (p.Leu369_Leu370insTer)

Gene: GCDH (glutaryl-CoA dehydrogenase; plus strand). Cytogenetic location: 19p13.13.
Variant type: Deletion.
Coding change: c.1108del on transcript NM_000159.4 (MANE Select); coding-DNA position 1108, one base deleted (C; older notation c.1108delC).
Protein change: p.Leu369_Leu370insTer.
Molecular consequence: nonsense. On other transcripts: non-coding transcript variant (2).
Genome position (GRCh38, 1-based): chr19:12,897,728, C deleted. VCF-style (leftmost placement, unchanged base first): chr19-12897727-GC-G. GRCh37 (hg19) VCF-style: chr19-13008541-GC-G.
Other names: c.1108del, p.Leu369_Leu370insTer (NM_013976.5).
Identifiers: ClinVar variation 5003723 (VCV005003723.1).